The following is an entry in ClinVar:

NM_001277313.2(FMN1):c.888T>G (p.Ser296=)

Gene: FMN1 (formin 1; minus strand). Cytogenetic location: 15q13.3.
Variant type: single nucleotide variant.
Coding change: c.888T>G on transcript NM_001277313.2 (MANE Select); coding-DNA position 888, T replaced by G.
Protein change: p.Ser296=; no amino-acid change (serine 296 retained).
Molecular consequence: synonymous variant.
Genome position (GRCh38, 1-based): chr15:33,154,027, A>C on the plus strand (T>G on the coding strand, the complement: FMN1 is on the minus strand). VCF-style: chr15-33154027-A-C. GRCh37 (hg19) VCF-style: chr15-33446228-A-C.
Other names: c.888T>G, p.Ser296= (NM_001277314.2).
Identifiers: ClinVar variation 2071578 (VCV002071578.4), dbSNP rs987152876, ClinGen allele CA268812090.

ClinVar aggregate classification (germline): Uncertain significance (1 of 4 stars; one submission).

Allele frequency attached by ClinVar (database versions not stated): gnomAD 0.00003; TOPMed 0.00004; gnomAD exomes 0.00005.
gnomAD v4.1: 67 of 1,536,176 alleles (0.0044%); highest among the groups gnomAD compares: Admixed American, 0.0098%; no homozygotes.

Submission:

Labcorp Genetics (formerly Invitae), Labcorp
Classification: Uncertain significance. Last evaluated: 2024-08-13. Review status: criteria provided, single submitter. Criteria: Invitae Variant Classification Sherloc (09022015). Collection method: clinical testing. Allele origin: germline.
Comment: The FMN1 gene has multiple clinically relevant transcripts. This variant occurs in alternate transcript NM_001277314.1, and corresponds to NM_001103184.3:c.-86143T>G in the primary transcript. This sequence change affects codon 296 of the FMN1 mRNA. It is a 'silent' change, meaning that it does not change the encoded amino acid sequence of the FMN1 protein. This variant is present in population databases (no rsID available, gnomAD 0.02%). This variant has not been reported in the literature in individuals affected with FMN1-related conditions. Experimental studies and prediction algorithms are not available or were not evaluated, and the effect of this variant on mRNA splicing is currently unknown. In summary, the available evidence is currently insufficient to determine the role of this variant in disease. Therefore, it has been classified as a Variant of Uncertain Significance.